The following is an entry in ClinVar:

NM_004612.4(TGFBR1):c.76_97+13dup

Gene: TGFBR1 (transforming growth factor beta receptor 1; plus strand). Cytogenetic location: 9q22.33.
Variant type: Duplication.
Coding change: c.76_97+13dup on transcript NM_004612.4 (MANE Select); coding-DNA position 76 through 13 bases into the intron after coding-DNA position 97, 35 bases duplicated.
Molecular consequence: splice donor variant. On other transcripts: intron variant (8).
Genome position (GRCh38, 1-based): chr9:99,105,281-99,105,315, 35 bases duplicated; duplicating any 35 consecutive bases within chr9:99,105,272-99,105,315 gives the same sequence; the c. name uses the placement nearest the transcript's 3' end. GRCh37 (hg19): chr9:101,867,563-101,867,597.
Other names: c.-111+1540_-111+1574dup (NM_001407418.1, NM_001407423.1); c.-111+1175_-111+1209dup (NM_001407424.1); c.-111+762_-111+796dup (NM_001407425.1); c.-111+555_-111+589dup (NM_001407434.1); c.-247+156_-247+190dup (NM_001407432.1); c.-111+156_-111+190dup (NM_001407419.1, NM_001407433.1); c.-237_-216+13dup (NM_001407422.1, NM_001407426.1); c.-192_-171+13dup (NM_001407428.1); and 2 more.
Identifiers: ClinVar variation 4780599 (VCV004780599.1).

ClinVar aggregate classification (germline): Uncertain significance (1 of 4 stars; one submission).

Conditions:
Familial thoracic aortic aneurysm and aortic dissection (TAAD). Also called: Thoracic aortic aneurysms and dissections. Identifiers: Orphanet 91387, MedGen C4707243, MONDO:0019625.

Submission:

Labcorp Genetics (formerly Invitae), Labcorp
Classification: Uncertain significance for Familial thoracic aortic aneurysm and aortic dissection. Last evaluated: 2025-06-23. Review status: criteria provided, single submitter. Criteria: Invitae Variant Classification Sherloc (09022015). Collection method: clinical testing. Allele origin: germline.
Comment: This sequence change falls in intron 1 of the TGFBR1 gene. It does not directly change the encoded amino acid sequence of the TGFBR1 protein. The frequency data for this variant in the population databases is considered unreliable, as metrics indicate insufficient coverage at this position in the gnomAD database. This variant has not been reported in the literature in individuals affected with TGFBR1-related conditions. Experimental studies and prediction algorithms are not available or were not evaluated, and the functional significance of this variant is currently unknown. In summary, the available evidence is currently insufficient to determine the role of this variant in disease. Therefore, it has been classified as a Variant of Uncertain Significance.